The following is an entry in ClinVar:

ClinVar aggregate classification (germline): Uncertain significance (1 of 4 stars; one submission).

Submission:

Labcorp Genetics (formerly Invitae), Labcorp
Classification: Uncertain significance. Last evaluated: 2022-09-06. Review status: criteria provided, single submitter. Criteria: Invitae Variant Classification Sherloc (09022015). Collection method: clinical testing. Allele origin: germline.
Comment: Information on the frequency of this variant in the gnomAD database is not available, as this variant may be reported differently in the database. In summary, the available evidence is currently insufficient to determine the role of this variant in disease. Therefore, it has been classified as a Variant of Uncertain Significance. Algorithms developed to predict the effect of missense changes on protein structure and function are either unavailable or do not agree on the potential impact of this missense change (SIFT: "Not Available"; PolyPhen-2: "Benign"; Align-GVGD: "Not Available"). ClinVar contains an entry for this variant (Variation ID: 1390196). This variant has not been reported in the literature in individuals affected with PTH1R-related conditions. This sequence change replaces serine, which is neutral and polar, with proline, which is neutral and non-polar, at codon 61 of the PTH1R protein (p.Ser61Pro).

NM_000316.3(PTH1R):c.181_182delinsCC (p.Ser61Pro)

Gene: PTH1R (parathyroid hormone 1 receptor; plus strand). Cytogenetic location: 3p21.31.
Variant type: Indel.
Coding change: c.181_182delinsCC on transcript NM_000316.3 (MANE Select); coding-DNA positions 181 to 182, AG replaced by CC.
Protein change: p.Ser61Pro; replaces serine 61 with proline.
Molecular consequence: missense variant.
Genome position (GRCh38, 1-based): chr3:46,895,737-46,895,738, AG replaced by CC. VCF-style: chr3-46895737-AG-CC. GRCh37 (hg19) VCF-style: chr3-46937227-AG-CC.
Other names: c.181_182delinsCC, p.Ser61Pro (NM_001184744.1); short protein forms S61P.
Identifiers: ClinVar variation 1390196 (VCV001390196.6), dbSNP rs2107021913, ClinGen allele CA2573136991.